The following is an entry in ClinVar:

ClinVar aggregate classification (germline): Pathogenic (1 of 4 stars; one submission).

Conditions:
Epilepsy, idiopathic generalized, susceptibility to, 15 (EIG15). Identifiers: MedGen C5193050, MONDO:0032699, OMIM 618357.

Submission:

Institute of Human Genetics, University of Leipzig Medical Center
Classification: Pathogenic for Epilepsy, idiopathic generalized, susceptibility to, 15. Last evaluated: 2026-08-20. Review status: criteria provided, single submitter. Criteria: ACMG Guidelines, 2015. Collection method: clinical testing. Allele origin: unknown. Inheritance: Autosomal dominant inheritance. Affected: yes.
Comment: Criteria applied: PVS1,PM2

NM_006914.4(RORB):c.468del (p.Tyr155_Tyr156insTer)

Gene: RORB (RAR related orphan receptor B; plus strand). Cytogenetic location: 9q21.13.
Variant type: Deletion.
Coding change: c.468del on transcript NM_006914.4 (MANE Select); coding-DNA position 468, one base deleted (C; older notation c.468delC).
Protein change: p.Tyr155_Tyr156insTer.
Molecular consequence: nonsense.
Genome position (GRCh38, 1-based): chr9:74,642,646, C deleted. VCF-style (leftmost placement, unchanged base first): chr9-74642645-AC-A. GRCh37 (hg19) VCF-style: chr9-77257561-AC-A.
Other names: c.501del, p.Tyr166_Tyr167insTer (NM_001365023.1).
Identifiers: ClinVar variation 4890742 (VCV004890742.1).